The following is an entry in ClinVar:

NM_003072.5(SMARCA4):c.1466A>G (p.Tyr489Cys)

Gene: SMARCA4 (SWI/SNF related BAF chromatin remodeling complex subunit ATPase 4; plus strand). Cytogenetic location: 19p13.2.
Variant type: single nucleotide variant.
Coding change: c.1466A>G on transcript NM_003072.5 (MANE Select); coding-DNA position 1466, A replaced by G.
Protein change: p.Tyr489Cys; replaces tyrosine 489 with cysteine.
Molecular consequence: missense variant. On other transcripts: non-coding transcript variant (1).
Genome position (GRCh38, 1-based): chr19:10,994,874, A>G. VCF-style: chr19-10994874-A-G. GRCh37 (hg19) VCF-style: chr19-11105550-A-G.
Other names: c.1466A>G, p.Tyr489Cys (NM_001128844.3, NM_001128845.2, NM_001128846.2 and 6 more transcripts); short protein forms Y489C.
Identifiers: ClinVar variation 3233069 (VCV003233069.1), dbSNP rs2145938607, ClinGen allele CA404062050.

ClinVar aggregate classification (germline): Uncertain significance (1 of 4 stars; one submission).

Conditions:
Hereditary cancer-predisposing syndrome. Also called: Neoplastic Syndromes, Hereditary; Tumor predisposition; Hereditary neoplastic syndrome; Hereditary Cancer Syndrome. Identifiers: Orphanet 140162, MedGen C0027672, MeSH D009386, MONDO:0015356.

Submission:

Ambry Genetics
Classification: Uncertain significance for Hereditary cancer-predisposing syndrome. Last evaluated: 2023-10-26. Review status: criteria provided, single submitter. Criteria: Ambry Variant Classification Scheme 2023. Collection method: clinical testing. Allele origin: germline.
Comment: The p.Y489C variant (also known as c.1466A>G), located in coding exon 8 of the SMARCA4 gene, results from an A to G substitution at nucleotide position 1466. The tyrosine at codon 489 is replaced by cysteine, an amino acid with highly dissimilar properties. This amino acid position is well conserved in available vertebrate species. In addition, the in silico prediction for this alteration is inconclusive. Missense and in-frame variants in SMARCA4 are known to cause neurodevelopmental disorders; however, such associations with rhabdoid tumor predisposition syndrome including small cell carcinoma of the ovary-hypercalcemic type (SCCOHT) are exceedingly rare (Kosho T et al. Am J Med Genet C Semin Med Genet. 2014 Sep;166C(3):262-75; Jelinic P et al. Nat Genet. 2014 May;46(5):424-6). Since supporting evidence is limited at this time, the clinical significance of this alteration remains unclear.